The following is an entry in ClinVar:

ClinVar aggregate classification (germline): Uncertain significance (1 of 4 stars; one submission).

Conditions:
Catecholaminergic polymorphic ventricular tachycardia (CVPT). Also called: Catecholamine-induced polymorphic ventricular tachycardia. Identifiers: Orphanet 3286, MedGen C5574922, MONDO:0017990.

Allele frequency attached by ClinVar (database versions not stated): TOPMed below 0.00001; gnomAD 0.00001; ExAC 0.00002; ESP Exome Variant Server 0.00008.
gnomAD v4.1: 1 of 1,592,088 alleles (0.000063%); highest among the groups gnomAD compares: Non-Finnish European, 0.000086%; no homozygotes.

Submission:

All of Us Research Program, National Institutes of Health
Classification: Uncertain significance for Catecholaminergic polymorphic ventricular tachycardia. Last evaluated: 2023-03-28. Review status: criteria provided, single submitter. Criteria: ACMG Guidelines, 2015. Collection method: clinical testing. Allele origin: germline. Inheritance: Autosomal dominant inheritance. Observed: 1 variant allele, 1 heterozygote.
Comment: This study involves interpretation of variants in research participants for the purpose of population health screening. Participant phenotype was not available at the time of variant classification. Additional details can be found in publication PMID: 35346344, PMCID: PMC8962531

NM_001035.3(RYR2):c.13284A>C (p.Glu4428Asp)

Gene: RYR2 (ryanodine receptor 2; plus strand). Cytogenetic location: 1q43.
Variant type: single nucleotide variant.
Coding change: c.13284A>C on transcript NM_001035.3 (MANE Select); coding-DNA position 13284, A replaced by C.
Protein change: p.Glu4428Asp; replaces glutamic acid 4428 with aspartic acid.
Molecular consequence: missense variant.
Genome position (GRCh38, 1-based): chr1:237,785,992, A>C. VCF-style: chr1-237785992-A-C. GRCh37 (hg19) VCF-style: chr1-237949292-A-C.
Other names: short protein forms E4428D.
Identifiers: ClinVar variation 3070026 (VCV003070026.1), dbSNP rs370131928, ClinGen allele CA085330.